The following is an entry in ClinVar:

NM_000497.4(CYP11B1):c.412C>T (p.Arg138Cys)

Genes: CYP11B1 (cytochrome P450 family 11 subfamily B member 1; minus strand), LOC106799833 (CYP11B1 recombination region; plus strand). Cytogenetic location: 8q24.3.
Variant type: single nucleotide variant.
Coding change: c.412C>T on transcript NM_000497.4 (MANE Select); coding-DNA position 412, C replaced by T.
Protein change: p.Arg138Cys; replaces arginine 138 with cysteine.
Molecular consequence: missense variant.
Genome position (GRCh38, 1-based): chr8:142,877,206, G>A on the plus strand (C>T on the coding strand, the complement: CYP11B1 is on the minus strand). VCF-style: chr8-142877206-G-A. GRCh37 (hg19) VCF-style: chr8-143958622-G-A.
Other names: c.412C>T, p.Arg138Cys (NM_001026213.1); short protein forms R138C.
Identifiers: ClinVar variation 552695 (VCV000552695.8), dbSNP rs764251434, ClinGen allele CA4905446.

ClinVar aggregate classification (germline): Pathogenic/Likely pathogenic. Review status: criteria provided, multiple submitters, no conflicts (2 of 4 stars). 4 submissions from 4 submitters: Pathogenic (1); Likely pathogenic (2). 1 of the submissions does not count toward it. Last evaluated 2024-03-29.

Conditions:
Deficiency of steroid 11-beta-monooxygenase (CYP11B1). Also called: 11-BETA-HYDROXYLASE DEFICIENCY; ADRENAL HYPERPLASIA, CONGENITAL, DUE TO STEROID 11-BETA-HYDROXYLASE DEFICIENCY; P450C11B1 DEFICIENCY; STEROID 11-BETA-HYDROXYLASE DEFICIENCY; ADRENAL HYPERPLASIA IV; Congenital adrenal hyperplasia due to 11-beta-hydroxylase deficiency. Identifiers: Orphanet 90795, MedGen C0268292, MONDO:0008729, OMIM 202010. Disease mechanism: loss of function.

Allele frequency attached by ClinVar (database versions not stated): TOPMed 0.00001; ExAC 0.00002; gnomAD exomes 0.00002 and 0.00004.

Submissions (4):

Baylor Genetics
Classification: Likely pathogenic for Deficiency of steroid 11-beta-monooxygenase. Last evaluated: 2024-03-29. Review status: criteria provided, single submitter. Criteria: ACMG Guidelines, 2015. Collection method: clinical testing. Allele origin: unknown.

Labcorp Genetics (formerly Invitae), Labcorp
Classification: Pathogenic. Last evaluated: 2023-03-21. Review status: criteria provided, single submitter. Criteria: Invitae Variant Classification Sherloc (09022015). Collection method: clinical testing. Allele origin: germline.
Comment: Experimental studies have shown that this missense change affects CYP11B1 function (PMID: 26053152). Advanced modeling of protein sequence and biophysical properties (such as structural, functional, and spatial information, amino acid conservation, physicochemical variation, residue mobility, and thermodynamic stability) performed at Invitae indicates that this missense variant is expected to disrupt CYP11B1 protein function. ClinVar contains an entry for this variant (Variation ID: 552695). This missense change has been observed in individuals with autosomal recessive congenital adrenal hyperplasia (23940125 33275286 34718183). This variant is present in population databases (rs764251434, gnomAD 0.01%). This sequence change replaces arginine, which is basic and polar, with cysteine, which is neutral and slightly polar, at codon 138 of the CYP11B1 protein (p.Arg138Cys). For these reasons, this variant has been classified as Pathogenic.

Molecular Endocrinology Laboratory, Christian Medical College
Classification: Likely pathogenic for Deficiency of steroid 11-beta-monooxygenase. Review status: criteria provided, single submitter. Criteria: ACMG Guidelines, 2015. Collection method: clinical testing. Allele origin: germline. Affected: yes.

Counsyl
Classification: Uncertain significance for Deficiency of steroid 11-beta-monooxygenase. Last evaluated: 2017-06-30. Review status: no assertion criteria provided. Collection method: clinical testing. Allele origin: unknown. Not counted in ClinVar's aggregate classification.

Literature cited by the submitters: PubMed 26053152 (cited by Labcorp Genetics (formerly Invitae), Labcorp); PubMed 23940126 (cited by Molecular Endocrinology Laboratory, Christian Medical College); PubMed 23940125 (cited by Counsyl); PubMed 28228528 (cited by Counsyl).